The following is an entry in ClinVar:

ClinVar aggregate classification (germline): Uncertain significance (1 of 4 stars; one submission).

gnomAD v4.1: 8 of 1,540,942 alleles (0.00052%); highest among the groups gnomAD compares: South Asian, 0.0024%; no homozygotes.

Submission:

CeGaT Center for Human Genetics Tuebingen
Classification: Uncertain significance. Last evaluated: 2025-11-01. Review status: criteria provided, single submitter. Criteria: CeGaT Center For Human Genetics Tuebingen Variant Classification Criteria Version 2. Collection method: clinical testing. Allele origin: germline. Affected: yes. Observed: 1 variant allele.
Comment: GNAS: PM2

NM_080425.4(GNAS):c.1334C>T (p.Ala445Val)

Gene: GNAS (GNAS complex locus; plus strand). Cytogenetic location: 20q13.32.
Variant type: single nucleotide variant.
Coding change: c.1334C>T on transcript NM_080425.4 (MANE Plus Clinical); coding-DNA position 1334, C replaced by T.
Protein change: p.Ala445Val; replaces alanine 445 with valine.
Molecular consequence: missense variant. On other transcripts: intron variant (3).
Genome position (GRCh38, 1-based): chr20:58,854,599, C>T. VCF-style: chr20-58854599-C-T. GRCh37 (hg19) VCF-style: chr20-57429654-C-T.
Other names: c.1147C>T, p.Arg383Trp (NM_001077490.3, NM_001309883.1); c.1334C>T, p.Ala445Val (NM_001410913.1); c.*42+13713C>T (NM_016592.5); c.43+13713C>T (NM_001410912.1); c.-39+12724C>T (NM_001309861.2); short protein forms A445V, R383W.
Identifiers: ClinVar variation 4681730 (VCV004681730.5).